The following is an entry in ClinVar:

ClinVar aggregate classification (germline): Pathogenic (1 of 4 stars; one submission).

Conditions:
Familial focal epilepsy with variable foci (FPEVF). Identifiers: Orphanet 98820, MedGen C1858477, MONDO:0020310.

Submission:

Labcorp Genetics (formerly Invitae), Labcorp
Classification: Pathogenic for Familial focal epilepsy with variable foci. Last evaluated: 2022-08-20. Review status: criteria provided, single submitter. Criteria: Invitae Variant Classification Sherloc (09022015). Collection method: clinical testing. Allele origin: germline.
Comment: For these reasons, this variant has been classified as Pathogenic. This variant has not been reported in the literature in individuals affected with DEPDC5-related conditions. This variant is not present in population databases (gnomAD no frequency). This sequence change creates a premature translational stop signal (p.Leu865Serfs*2) in the DEPDC5 gene. It is expected to result in an absent or disrupted protein product. Loss-of-function variants in DEPDC5 are known to be pathogenic (PMID: 23542697, 23542701).

Literature cited by the submitters: PubMed 23542697; PubMed 23542701.

NM_001242896.3(DEPDC5):c.2591_2592insCA (p.Leu865fs)

Gene: DEPDC5 (DEP domain containing 5, GATOR1 subcomplex subunit; plus strand). Cytogenetic location: 22q12.3.
Variant type: Insertion.
Coding change: c.2591_2592insCA on transcript NM_001242896.3 (MANE Select); coding-DNA positions 2591 to 2592, CA inserted.
Protein change: p.Leu865fs; shifts the reading frame from leucine 865.
Molecular consequence: frameshift variant. On other transcripts: non-coding transcript variant (5).
Genome position: GRCh38 VCF-style: chr22-31843170-C-CCA. GRCh37 (hg19) VCF-style: chr22-32239156-C-CCA.
Other names: c.2357_2358insCA, p.Leu787fs (NM_001242897.2, NM_001363854.2, NM_001364319.2); c.2591_2592insCA, p.Leu865fs (NM_001363852.2, NM_001364318.2, NM_001364320.2); c.2507_2508insCA, p.Leu837fs (NM_001369901.1, NM_001369902.1); c.2564_2565insCA, p.Leu856fs (NM_001369903.1, NM_014662.6, NM_001136029.4); short protein forms L865fs, L856fs, L787fs, L837fs.
Identifiers: ClinVar variation 2017555 (VCV002017555.4), dbSNP rs2520090573, ClinGen allele CA2580099659.